The following is an entry in ClinVar:

NM_000235.4(LIPA):c.1154G>A (p.Trp385Ter)

Gene: LIPA (lipase A, lysosomal acid type; minus strand). Cytogenetic location: 10q23.31.
Variant type: single nucleotide variant.
Coding change: c.1154G>A on transcript NM_000235.4 (MANE Select); coding-DNA position 1154, G replaced by A.
Protein change: p.Trp385Ter; replaces tryptophan 385 with a stop codon.
Molecular consequence: nonsense.
Genome position (GRCh38, 1-based): chr10:89,214,874, C>T on the plus strand (G>A on the coding strand, the complement: LIPA is on the minus strand). VCF-style: chr10-89214874-C-T. GRCh37 (hg19) VCF-style: chr10-90974631-C-T.
Other names: c.1154G>A, p.Trp385Ter (NM_001440834.1, NM_001440835.1, NM_001127605.3 and 16 more transcripts); c.1286G>A, p.Trp429Ter (NM_001440836.1); c.1175G>A, p.Trp392Ter (NM_001440837.1); c.1169G>A, p.Trp390Ter (NM_001440838.1); c.986G>A, p.Trp329Ter (NM_001440839.1); c.806G>A, p.Trp269Ter (NM_001288979.2); short protein forms W269*, W329*, W385*, W390*, W392*, W429*.
Identifiers: ClinVar variation 4811079 (VCV004811079.1).
Genomic context (GRCh38, chr10:89,214,874, plus strand): 5'-CTCAAGTCCAGCTTTCACTGATATTTCCTCATTAGATTAATAATTTTATTATAAAGCCTC[C>T]AAGGGGCATCCAGGCCCCAAATGAAGTCAAGATGCTCCCATTCCGGAATGCTCTCATGGA-3'

ClinVar aggregate classification (germline): Likely pathogenic (1 of 4 stars; one submission).

Conditions:
Wolman disease (WOLD). Also called: Acid cholesteryl ester hydrolase deficiency, Wolman type; Acid lipase disease; Wolman disease, CESD; Wolman disease with hypolipoproteinemia and acanthocytosis; LYSOSOMAL ACID LIPASE DEFICIENCY, ACUTE INFANTILE; LYSOSOMAL ACID LIPASE DEFICIENCY, COMPLETE. Identifiers: Orphanet 75233, MedGen C0043208, MONDO:0019148, OMIM 620151.

gnomAD v4.1: 1 of 1,613,106 alleles (0.000062%); highest among the groups gnomAD compares: Admixed American, 0.0017%; no homozygotes.

Submission:

Labcorp Genetics (formerly Invitae), Labcorp
Classification: Likely pathogenic for Wolman disease. Last evaluated: 2025-05-27. Review status: criteria provided, single submitter. Criteria: Invitae Variant Classification Sherloc (09022015). Collection method: clinical testing. Allele origin: germline.
Comment: This sequence change creates a premature translational stop signal (p.Trp385*) in the LIPA gene. While this is not anticipated to result in nonsense mediated decay, it is expected to disrupt the last 15 amino acid(s) of the LIPA protein. This variant is present in population databases (no rsID available, gnomAD 0.003%). This premature translational stop signal has been observed in individual(s) with cholesteryl ester storage disease (internal data). In at least one individual the data is consistent with being in trans (on the opposite chromosome) from a pathogenic variant. Experimental studies and prediction algorithms are not available or were not evaluated, and the functional significance of this variant is currently unknown. In summary, the currently available evidence indicates that the variant is pathogenic, but additional data are needed to prove that conclusively. Therefore, this variant has been classified as Likely Pathogenic.